The following is an entry in ClinVar:

ClinVar aggregate classification (germline): Conflicting classifications of pathogenicity. Review status: criteria provided, conflicting classifications (1 of 4 stars). 9 submissions from 6 submitters: Likely pathogenic (1); Uncertain significance (8). Last evaluated 2026-09-17.

Conditions:
Age related macular degeneration 4. Identifiers: MedGen C1853147, MONDO:0012540, OMIM 610698.
Factor H deficiency (CFHD). Also called: COMPLEMENT FACTOR H DEFICIENCY; CFH DEFICIENCY. Identifiers: Orphanet 200421, MedGen C0398777, MONDO:0012350, OMIM 609814.
Basal laminar drusen. Also called: DRUSEN OF BRUCH MEMBRANE; DRUSEN, CUTICULAR; DRUSEN, EARLY ADULT-ONSET, GROUPED. Identifiers: Orphanet 75376, MedGen C0730295, MONDO:0007472, OMIM 126700.
Hemolytic uremic syndrome, atypical, susceptibility to, 1. Also called: AHUS, SUSCEPTIBILITY TO, 1. Identifiers: Orphanet 2134, Orphanet 90038, MedGen C2749604, MONDO:0009335, OMIM 235400. Disease mechanism: Other.

Allele frequency attached by ClinVar (database versions not stated): TOPMed 0.00003; ExAC 0.00028.
gnomAD v4.1: 96 of 1,613,030 alleles (0.006%); highest among the groups gnomAD compares: Non-Finnish European, 0.0065%; no homozygotes.

Submissions (9):

Genomenon, Inc
Classification: Likely pathogenic for Age related macular degeneration 4; Factor H deficiency. Last evaluated: 2026-09-17. Review status: criteria provided, single submitter. Criteria: Genomenon Sequence Variant Interpretation Standards - Updated. Collection method: curation. Allele origin: germline. Affected: yes.
Comment: CFH p.Arg166Gln (c.497G>A) is a missense variant that changes the amino acid at codon 166 from arginine to glutamine. This variant has been observed in at least one proband affected with a CFH-related disorder (PMID: 26501415; 30077216). At least one functional study has demonstrated a substantial alteration in protein function relative to the wild-type (PMID: 37156755). It is absent or not present at a significant frequency in gnomAD. In silico models predict that this variant is not damaging. In conclusion, we classify CFH p.Arg166Gln (c.497G>A) as a likely pathogenic variant.

Labcorp Genetics (formerly Invitae), Labcorp
Classification: Uncertain significance. Last evaluated: 2024-07-31. Review status: criteria provided, single submitter. Criteria: Invitae Variant Classification Sherloc (09022015). Collection method: clinical testing. Allele origin: germline.
Comment: This sequence change replaces arginine, which is basic and polar, with glutamine, which is neutral and polar, at codon 166 of the CFH protein (p.Arg166Gln). This variant is present in population databases (rs770339409, gnomAD 0.03%). This missense change has been observed in individual(s) with age-related macular degeneration (PMID: 26501415). ClinVar contains an entry for this variant (Variation ID: 1032243). An algorithm developed to predict the effect of missense changes on protein structure and function outputs the following: PolyPhen-2: "Benign". The glutamine amino acid residue is found in multiple mammalian species, which suggests that this missense change does not adversely affect protein function. In summary, the available evidence is currently insufficient to determine the role of this variant in disease. Therefore, it has been classified as a Variant of Uncertain Significance.

Genome-Nilou Lab
Classification: Uncertain significance for Hemolytic uremic syndrome, atypical, susceptibility to, 1. Last evaluated: 2023-04-11. Review status: criteria provided, single submitter. Criteria: ACMG Guidelines, 2015. Collection method: clinical testing. Allele origin: germline. Affected: no.

Genome-Nilou Lab
Classification: Uncertain significance for Age related macular degeneration 4. Last evaluated: 2023-04-11. Review status: criteria provided, single submitter. Criteria: ACMG Guidelines, 2015. Collection method: clinical testing. Allele origin: germline. Affected: no.

Genome-Nilou Lab
Classification: Uncertain significance for Basal laminar drusen. Last evaluated: 2023-04-11. Review status: criteria provided, single submitter. Criteria: ACMG Guidelines, 2015. Collection method: clinical testing. Allele origin: germline. Affected: no.

Genome-Nilou Lab
Classification: Uncertain significance for Factor H deficiency. Last evaluated: 2023-04-11. Review status: criteria provided, single submitter. Criteria: ACMG Guidelines, 2015. Collection method: clinical testing. Allele origin: germline. Affected: no.

Fulgent Genetics
Classification: Uncertain significance for Basal laminar drusen; Hemolytic uremic syndrome, atypical, susceptibility to, 1; Factor H deficiency; Age related macular degeneration 4. Last evaluated: 2021-09-03. Review status: criteria provided, single submitter. Criteria: ACMG Guidelines, 2015. Collection method: clinical testing. Allele origin: unknown.

Mayo Clinic Laboratories, Mayo Clinic
Classification: Uncertain significance. Last evaluated: 2021-03-16. Review status: criteria provided, single submitter. Criteria: ACMG Guidelines, 2015. Collection method: clinical testing. Allele origin: germline. Observed: 1 variant allele.

Baylor Genetics
Classification: Uncertain significance for Basal laminar drusen. Last evaluated: 2018-06-15. Review status: criteria provided, single submitter. Criteria: ACMG Guidelines, 2015. Collection method: clinical testing. Allele origin: paternal. Affected: yes.
Comment: This variant was determined to be of uncertain significance according to ACMG Guidelines, 2015 [PMID:25741868].

Literature cited by the submitters: PubMed 26501415 (cited by Genomenon, Inc and Labcorp Genetics (formerly Invitae), Labcorp); PubMed 30077216 (cited by Genomenon, Inc); PubMed 37156755 (cited by Genomenon, Inc).

NM_000186.4(CFH):c.497G>A (p.Arg166Gln)

Gene: CFH (complement factor H; plus strand). Cytogenetic location: 1q31.3.
Variant type: single nucleotide variant.
Coding change: c.497G>A on transcript NM_000186.4 (MANE Select); coding-DNA position 497, G replaced by A.
Protein change: p.Arg166Gln; replaces arginine 166 with glutamine.
Molecular consequence: missense variant.
Genome position (GRCh38, 1-based): chr1:196,677,545, G>A. VCF-style: chr1-196677545-G-A. GRCh37 (hg19) VCF-style: chr1-196646675-G-A.
Other names: c.497G>A, p.Arg166Gln (NM_001014975.3); short protein forms R166Q.
Identifiers: ClinVar variation 1032243 (VCV001032243.12), dbSNP rs770339409, ClinGen allele CA1305079.